The following is an entry in ClinVar:

NM_006846.4(SPINK5):c.1431-13C>T

Gene: SPINK5 (serine peptidase inhibitor Kazal type 5; plus strand). Cytogenetic location: 5q32.
Variant type: single nucleotide variant.
Coding change: c.1431-13C>T on transcript NM_006846.4 (MANE Select); 13 bases into the intron before coding-DNA position 1431, C replaced by T.
Molecular consequence: intron variant.
Genome position (GRCh38, 1-based): chr5:148,104,939, C>T. VCF-style: chr5-148104939-C-T. GRCh37 (hg19) VCF-style: chr5-147484502-C-T.
Other names: c.1431-13C>T (NM_001127698.2, NM_001127699.2).
Identifiers: ClinVar variation 382570 (VCV000382570.10), dbSNP rs375240260, ClinGen allele CA3495608.

ClinVar aggregate classification (germline): Likely benign. Review status: criteria provided, multiple submitters, no conflicts (2 of 4 stars). 3 submissions from 3 submitters: Likely benign (3). Last evaluated 2025-08-10.

Conditions:
Ichthyosis linearis circumflexa. Identifiers: MedGen C0265962, MONDO:0043106, HP:0025810.

Allele frequency attached by ClinVar (database versions not stated): gnomAD 0.00003; gnomAD exomes 0.00005; ExAC 0.00007; ESP Exome Variant Server 0.00026.
gnomAD v4.1: 60 of 1,605,820 alleles (0.0037%); highest among the groups gnomAD compares: Admixed American, 0.014%; no homozygotes.

Submissions (3):

Labcorp Genetics (formerly Invitae), Labcorp
Classification: Likely benign for Ichthyosis linearis circumflexa. Last evaluated: 2025-08-10. Review status: criteria provided, single submitter. Criteria: Invitae Variant Classification Sherloc (09022015). Collection method: clinical testing. Allele origin: germline.

Blueprint Genetics
Classification: Likely benign. Last evaluated: 2022-10-20. Review status: criteria provided, single submitter. Criteria: ACMG Guidelines, 2015. Collection method: clinical testing. Allele origin: germline.

GeneDx
Classification: Likely benign. Last evaluated: 2015-12-22. Review status: criteria provided, single submitter. Criteria: GeneDx Variant Classification (06012015). Collection method: clinical testing. Allele origin: germline. Affected: yes.
Comment: This variant is considered likely benign or benign based on one or more of the following criteria: it is a conservative change, it occurs at a poorly conserved position in the protein, it is predicted to be benign by multiple in silico algorithms, and/or has population frequency not consistent with disease.